The following is an entry in ClinVar:

ClinVar aggregate classification (germline): Uncertain significance (1 of 4 stars; one submission).

Submission:

Ambry Genetics
Classification: Uncertain significance. Last evaluated: 2025-06-08. Review status: criteria provided, single submitter. Criteria: Ambry Variant Classification Scheme 2023. Collection method: clinical testing. Allele origin: germline.
Comment: The p.Q349H variant (also known as c.1047A>C), located in coding exon 9 of the GEN1 gene, results from an A to C substitution at nucleotide position 1047. The glutamine at codon 349 is replaced by histidine, an amino acid with highly similar properties. This amino acid position is conserved. In addition, this alteration is predicted to be tolerated by in silico analysis. Based on the available evidence, the clinical significance of this variant remains unclear.

NM_001130009.3(GEN1):c.1047A>C (p.Gln349His)

Gene: GEN1 (GEN1 Holliday junction 5' flap endonuclease; plus strand). Cytogenetic location: 2p24.2.
Variant type: single nucleotide variant.
Coding change: c.1047A>C on transcript NM_001130009.3 (MANE Select); coding-DNA position 1047, A replaced by C.
Protein change: p.Gln349His; replaces glutamine 349 with histidine.
Molecular consequence: missense variant.
Genome position (GRCh38, 1-based): chr2:17,773,275, A>C. VCF-style: chr2-17773275-A-C. GRCh37 (hg19) VCF-style: chr2-17954542-A-C.
Other names: c.1047A>C, p.Gln349His (NM_182625.5); short protein forms Q349H.
Identifiers: ClinVar variation 4029336 (VCV004029336.1).
Genomic context (GRCh38, chr2:17,773,275, plus strand): 5'-CTAGGTTATTCAAGAATTCCTTTTAAACAAGGATAAATTGGTGAAGGTTATCAGGTACCA[A>C]AGACCTGATTTGTTATTGTTTCAGGTATCTGAAAATAAATTCTTCTTTACTGTATGAAGT-3'
Protein context (NP_001123481.3, residues 339-359): KDKLVKVIRY[Gln349His]RPDLLLFQRF